The following is an entry in ClinVar:

NM_000059.4(BRCA2):c.670_672del (p.Asp224del)

Gene: BRCA2 (BRCA2 DNA repair associated; plus strand). Cytogenetic location: 13q13.1.
Variant type: Deletion.
Coding change: c.670_672del on transcript NM_000059.4 (MANE Select); coding-DNA positions 670 to 672, 3 bases deleted (GAT; older notation c.670_672delGAT).
Protein change: p.Asp224del; deletes aspartic acid 224.
Molecular consequence: inframe deletion.
Genome position (GRCh38, 1-based): chr13:32,329,481-32,329,483, GAT deleted; deleting any 3 consecutive bases within chr13:32,329,479-32,329,483 gives the same sequence; the c. name uses the placement nearest the transcript's 3' end. VCF-style (leftmost placement, unchanged base first): chr13-32329478-CATG-C. GRCh37 (hg19) VCF-style: chr13-32903615-CATG-C.
Other names: c.670_672delGAT (NM_000059.3); short protein forms D224del.
Identifiers: ClinVar variation 409519 (VCV000409519.15), dbSNP rs1060502447, ClinGen allele CA16613818.

ClinVar aggregate classification (germline): Uncertain significance. Review status: criteria provided, multiple submitters, no conflicts (2 of 4 stars). 3 submissions from 3 submitters: Uncertain significance (3). Last evaluated 2023-07-07.

Conditions:
Hereditary breast ovarian cancer syndrome. Also called: Hereditary breast and ovarian cancer; Hereditary breast and/or ovarian cancer syndrome; BRCA1- and BRCA2-Associated Hereditary Breast and Ovarian Cancer; Hereditary breast and ovarian cancer syndrome; Hereditary breast and ovarian cancer syndrome (HBOC); Breast and ovarian cancer. Identifiers: Orphanet 145, MedGen C0677776, MeSH D061325, MONDO:0003582. Disease mechanism: loss of function.
Hereditary cancer-predisposing syndrome. Also called: Tumor predisposition; Hereditary Cancer Syndrome; Hereditary neoplastic syndrome; Neoplastic Syndromes, Hereditary. Identifiers: Orphanet 140162, MedGen C0027672, MeSH D009386, MONDO:0015356.

Submissions (3):

Labcorp Genetics (formerly Invitae), Labcorp
Classification: Uncertain significance for Hereditary breast ovarian cancer syndrome. Last evaluated: 2023-07-07. Review status: criteria provided, single submitter. Criteria: Invitae Variant Classification Sherloc (09022015). Collection method: clinical testing. Allele origin: germline.
Comment: This variant, c.670_672del, results in the deletion of 1 amino acid(s) of the BRCA2 protein (p.Asp224del), but otherwise preserves the integrity of the reading frame. This variant is present in population databases (no rsID available, gnomAD 0.003%). This variant has been observed in individual(s) with clinical features of BRCA2-related conditions (PMID: 21520333). ClinVar contains an entry for this variant (Variation ID: 409519). Experimental studies and prediction algorithms are not available or were not evaluated, and the functional significance of this variant is currently unknown. In summary, the available evidence is currently insufficient to determine the role of this variant in disease. Therefore, it has been classified as a Variant of Uncertain Significance.

GeneDx
Classification: Uncertain significance. Last evaluated: 2023-03-07. Review status: criteria provided, single submitter. Criteria: GeneDx Variant Classification Process June 2021. Collection method: clinical testing. Allele origin: germline. Affected: yes.
Comment: In-frame deletion of one amino acid in a non-repeat region; Not observed at significant frequency in large population cohorts (gnomAD); Observed in an individual undergoing multigene cancer panel testing based on personal and family history (Li et al., 2020); In silico analysis supports a deleterious effect on protein structure/function; Also known as 898_900del; This variant is associated with the following publications: (PMID: 21520333, 31853058)

Ambry Genetics
Classification: Uncertain significance for Hereditary cancer-predisposing syndrome. Last evaluated: 2020-04-13. Review status: criteria provided, single submitter. Criteria: Ambry Variant Classification Scheme 2023. Collection method: clinical testing. Allele origin: germline.
Comment: The c.670_672delGAT variant (also known as p.D224del) is located in coding exon 7 of the BRCA2 gene. This variant results from an in-frame GAT deletion at nucleotide positions 670 to 672. This results in the in-frame deletion of an aspartic acid at codon 224. This amino acid position is well conserved in available vertebrate species. Since supporting evidence is limited at this time, the clinical significance of this alteration remains unclear.

Literature cited by the submitters: PubMed 21520333 (cited by Labcorp Genetics (formerly Invitae), Labcorp).